The following is an entry in ClinVar:

ClinVar aggregate classification (germline): Pathogenic (1 of 4 stars; one submission).

Conditions:
Hereditary spastic paraplegia 11. Also called: Nakamura Osame syndrome; Autosomal recessive hereditary spastic paraplegia, mental impairment, and thin corpus callosum; Spastic Paraplegia 11; Spastic paraplegia, mental retardation and thin corpus callosum; SPASTIC PARAPLEGIA, AUTOSOMAL RECESSIVE, COMPLICATED, WITH THIN CORPUS CALLOSUM; SPASTIC PARAPLEGIA, AUTOSOMAL RECESSIVE, WITH MENTAL IMPAIRMENT AND THIN CORPUS CALLOSUM. Identifiers: Orphanet 2822, MedGen C1858479, MONDO:0011445, OMIM 604360.

Submission:

Labcorp Genetics (formerly Invitae), Labcorp
Classification: Pathogenic for Hereditary spastic paraplegia 11. Last evaluated: 2022-04-05. Review status: criteria provided, single submitter. Criteria: Invitae Variant Classification Sherloc (09022015). Collection method: clinical testing. Allele origin: germline.
Comment: This sequence change creates a premature translational stop signal (p.Met38Profs*44) in the SPG11 gene. It is expected to result in an absent or disrupted protein product. Loss-of-function variants in SPG11 are known to be pathogenic (PMID: 19105190, 20110243, 22154821, 26556829). This variant is not present in population databases (gnomAD no frequency). This variant has not been reported in the literature in individuals affected with SPG11-related conditions. For these reasons, this variant has been classified as Pathogenic.

Literature cited by the submitters: PubMed 19105190; PubMed 20110243; PubMed 22154821; PubMed 26556829.

NM_025137.4(SPG11):c.111_150delinsTC (p.Met38fs)

Gene: SPG11 (SPG11 vesicle trafficking associated, spatacsin; minus strand). Cytogenetic location: 15q21.1.
Variant type: Indel.
Coding change: c.111_150delinsTC on transcript NM_025137.4 (MANE Select); coding-DNA positions 111 to 150, the reference bases replaced by TC.
Protein change: p.Met38fs; shifts the reading frame from methionine 38.
Molecular consequence: frameshift variant.
Genome position (GRCh38, 1-based): chr15:44,663,498-44,663,537, 40 bases replaced. GRCh37 (hg19): chr15:44,955,696-44,955,735.
Other names: c.111_150delinsTC, p.Met38fs (NM_001160227.2); short protein forms M38fs.
Identifiers: ClinVar variation 1425813 (VCV001425813.6), dbSNP rs2141138493, ClinGen allele CA2573150749.